The following is an entry in ClinVar:

ClinVar aggregate classification (germline): Uncertain significance (1 of 4 stars; one submission).

Allele frequency attached by ClinVar (database versions not stated): gnomAD 0.00001.
gnomAD v4.1: 3 of 1,611,182 alleles (0.00019%); highest among the groups gnomAD compares: Admixed American, 0.0033%; no homozygotes.

Submission:

Labcorp Genetics (formerly Invitae), Labcorp
Classification: Uncertain significance. Last evaluated: 2026-02-03. Review status: criteria provided, single submitter. Criteria: Invitae Variant Classification Sherloc (09022015). Collection method: clinical testing. Allele origin: germline.
Comment: This sequence change replaces proline, which is neutral and non-polar, with alanine, which is neutral and non-polar, at codon 809 of the CLCN6 protein (p.Pro809Ala). This variant is present in population databases (no rsID available, gnomAD 0.006%). This variant has not been reported in the literature in individuals affected with CLCN6-related conditions. ClinVar contains an entry for this variant (Variation ID: 1450332). An algorithm developed to predict the effect of missense changes on protein structure and function (PolyPhen-2) suggests that this variant is likely to be disruptive. In summary, the available evidence is currently insufficient to determine the role of this variant in disease. Therefore, it has been classified as a Variant of Uncertain Significance.

NM_001286.5(CLCN6):c.2425C>G (p.Pro809Ala)

Gene: CLCN6 (Cl-/H+ antiporter 6; plus strand). Cytogenetic location: 1p36.22.
Variant type: single nucleotide variant.
Coding change: c.2425C>G on transcript NM_001286.5 (MANE Select); coding-DNA position 2425, C replaced by G.
Protein change: p.Pro809Ala; replaces proline 809 with alanine.
Molecular consequence: missense variant. On other transcripts: non-coding transcript variant (1).
Genome position (GRCh38, 1-based): chr1:11,838,556, C>G. VCF-style: chr1-11838556-C-G. GRCh37 (hg19) VCF-style: chr1-11898613-C-G.
Other names: c.2359C>G, p.Pro787Ala (NM_001256959.2); short protein forms P787A, P809A.
Identifiers: ClinVar variation 1450332 (VCV001450332.6), dbSNP rs749293199, ClinGen allele CA338443467.